The following is an entry in ClinVar:

NM_014236.4(GNPAT):c.604C>T (p.Arg202Ter)

Gene: GNPAT (glyceronephosphate O-acyltransferase; plus strand). Cytogenetic location: 1q42.2.
Variant type: single nucleotide variant.
Coding change: c.604C>T on transcript NM_014236.4 (MANE Select); coding-DNA position 604, C replaced by T.
Protein change: p.Arg202Ter; replaces arginine 202 with a stop codon.
Molecular consequence: nonsense.
Genome position (GRCh38, 1-based): chr1:231,265,328, C>T. VCF-style: chr1-231265328-C-T. GRCh37 (hg19) VCF-style: chr1-231401074-C-T.
Other names: c.421C>T, p.Arg141Ter (NM_001316350.2); short protein forms R141*, R202*.
Identifiers: ClinVar variation 3010116 (VCV003010116.3), dbSNP rs1300770638, ClinGen allele CA345233129.

ClinVar aggregate classification (germline): Pathogenic (1 of 4 stars; one submission).

Allele frequency attached by ClinVar (database versions not stated): gnomAD exomes below 0.00001.

Submission:

Labcorp Genetics (formerly Invitae), Labcorp
Classification: Pathogenic. Last evaluated: 2023-07-25. Review status: criteria provided, single submitter. Criteria: Invitae Variant Classification Sherloc (09022015). Collection method: clinical testing. Allele origin: germline.
Comment: For these reasons, this variant has been classified as Pathogenic. This variant has not been reported in the literature in individuals affected with GNPAT-related conditions. This variant is not present in population databases (gnomAD no frequency). This sequence change creates a premature translational stop signal (p.Arg202*) in the GNPAT gene. It is expected to result in an absent or disrupted protein product. Loss-of-function variants in GNPAT are known to be pathogenic (PMID: 9536089, 21990100).

Literature cited by the submitters: PubMed 9536089; PubMed 21990100.